The following is an entry in ClinVar:

NM_173689.7(CRB2):c.419G>A (p.Gly140Asp)

Gene: CRB2 (crumbs cell polarity complex component 2; plus strand). Cytogenetic location: 9q33.3.
Variant type: single nucleotide variant.
Coding change: c.419G>A on transcript NM_173689.7 (MANE Select); coding-DNA position 419, G replaced by A.
Protein change: p.Gly140Asp; replaces glycine 140 with aspartic acid.
Molecular consequence: missense variant.
Genome position (GRCh38, 1-based): chr9:123,365,917, G>A. VCF-style: chr9-123365917-G-A. GRCh37 (hg19) VCF-style: chr9-126128196-G-A.
Other names: c.419G>A (NM_173689.5); short protein forms G140D.
Identifiers: ClinVar variation 998907 (VCV000998907.11), dbSNP rs545989298, ClinGen allele CA5231660.
Genomic context (GRCh38, chr9:123,365,917, plus strand): 5'-CCTCTTCCGCCCTGCTCTGGGTGTCCATCCTGCACCCTGTGTGTCCCCTGCCCTGTCCAG[G>A]CGTGACCTGCGAGATGGAGGTGGACGAGTGCGCCTCAGCGCCCTGCCTGCACGGGGGCTC-3'
Protein context (NP_775960.4, residues 130-150): YECHCPLGYA[Gly140Asp]VTCEMEVDEC

ClinVar aggregate classification (germline): Uncertain significance. Review status: criteria provided, multiple submitters, no conflicts (2 of 4 stars). 2 submissions from 2 submitters: Uncertain significance (2). Last evaluated 2020-09-09.

Allele frequency attached by ClinVar (database versions not stated): TOPMed below 0.00001; ExAC 0.00001; gnomAD 0.00001; gnomAD exomes 0.00001; 1000 Genomes Project 30x 0.00016; 1000 Genomes Project 0.00020.

Submissions (2):

Revvity Omics, Revvity
Classification: Uncertain significance. Last evaluated: 2020-09-09. Review status: criteria provided, single submitter. Criteria: ACMG Guidelines, 2015. Collection method: clinical testing. Allele origin: germline.

Labcorp Genetics (formerly Invitae), Labcorp
Classification: Uncertain significance. Last evaluated: 2020-07-08. Review status: criteria provided, single submitter. Criteria: Invitae Variant Classification Sherloc (09022015). Collection method: clinical testing. Allele origin: germline.
Comment: In summary, the available evidence is currently insufficient to determine the role of this variant in disease. Therefore, it has been classified as a Variant of Uncertain Significance. This variant has not been reported in the literature in individuals with CRB2-related conditions. This variant is present in population databases (rs545989298, ExAC 0.01%). This sequence change replaces glycine with aspartic acid at codon 140 of the CRB2 protein (p.Gly140Asp). The glycine residue is moderately conserved and there is a moderate physicochemical difference between glycine and aspartic acid.